The following is an entry in ClinVar:

NM_001130145.3(YAP1):c.712C>T (p.Gln238Ter)

Gene: YAP1 (Yes1 associated transcriptional regulator; plus strand). Cytogenetic location: 11q22.1.
Variant type: single nucleotide variant.
Coding change: c.712C>T on transcript NM_001130145.3 (MANE Select); coding-DNA position 712, C replaced by T.
Protein change: p.Gln238Ter; replaces glutamine 238 with a stop codon.
Molecular consequence: nonsense. On other transcripts: intron variant (4).
Genome position (GRCh38, 1-based): chr11:102,186,041, C>T. VCF-style: chr11-102186041-C-T. GRCh37 (hg19) VCF-style: chr11-102056772-C-T.
Other names: c.712C>T, p.Gln238Ter (NM_001195044.2, NM_001282100.2, NM_001282101.2); c.178C>T, p.Gln60Ter (NM_001195045.2); c.689-19852C>T (NM_001282099.2, NM_001282098.2, NM_001282097.2 and 1 more transcripts); c.712C>T (NM_001130145.2); short protein forms Q60*, Q238*.
Identifiers: ClinVar variation 3656520 (VCV003656520.3).

ClinVar aggregate classification (germline): Uncertain significance. Review status: criteria provided, multiple submitters, no conflicts (2 of 4 stars). 2 submissions from 2 submitters: Uncertain significance (2). Last evaluated 2024-07-31.

Submissions (2):

Labcorp Genetics (formerly Invitae), Labcorp
Classification: Uncertain significance. Last evaluated: 2024-07-31. Review status: criteria provided, single submitter. Criteria: Invitae Variant Classification Sherloc (09022015). Collection method: clinical testing. Allele origin: germline.
Comment: This sequence change creates a premature translational stop signal (p.Gln238*) in the YAP1 gene. It is expected to result in an absent or disrupted protein product. However, the current clinical and genetic evidence is not sufficient to establish whether loss-of-function variants in YAP1 cause disease. This variant is not present in population databases (gnomAD no frequency). This variant has not been reported in the literature in individuals affected with YAP1-related conditions. In summary, the available evidence is currently insufficient to determine the role of this variant in disease. Therefore, it has been classified as a Variant of Uncertain Significance.

GeneDx
Classification: Uncertain significance. Last evaluated: 2023-08-15. Review status: criteria provided, single submitter. Criteria: GeneDx Variant Classification Process June 2021. Collection method: clinical testing. Allele origin: germline. Affected: yes.
Comment: Not observed at significant frequency in large population cohorts (gnomAD); Nonsense variant predicted to result in protein truncation or nonsense mediated decay in a gene for which loss of function is not a well-established mechanism of disease; Has not been previously published as pathogenic or benign to our knowledge; Variants in candidate genes are classified as variants of uncertain significance in accordance with ACMG guidelines (Richards et al., 2015)